The following is an entry in ClinVar:

NM_000179.3(MSH6):c.1495A>G (p.Met499Val)

Gene: MSH6 (mutS homolog 6; plus strand). Cytogenetic location: 2p16.3.
Variant type: single nucleotide variant.
Coding change: c.1495A>G on transcript NM_000179.3 (MANE Select); coding-DNA position 1495, A replaced by G.
Protein change: p.Met499Val; replaces methionine 499 with valine.
Molecular consequence: missense variant.
Genome position (GRCh38, 1-based): chr2:47,799,478, A>G. VCF-style: chr2-47799478-A-G. GRCh37 (hg19) VCF-style: chr2-48026617-A-G.
Other names: c.1105A>G, p.Met369Val (NM_001281492.2); c.589A>G, p.Met197Val (NM_001281493.2, NM_001281494.2); short protein forms M499V, M369V, M197V.
Identifiers: ClinVar variation 428365 (VCV000428365.16), dbSNP rs1114167745, ClinGen allele CA346746150.
Genomic context (GRCh38, chr2:47,799,478, plus strand): 5'-AAAGTAGCACGAGTGGAACAGACTGAGACTCCAGAAATGATGGAGGCACGATGTAGAAAG[A>G]TGGCACATATATCCAAGTATGATAGAGTGGTGAGGAGGGAGATCTGTAGGATCATTACCA-3'
Protein context (NP_000170.1, residues 489-509): PEMMEARCRK[Met499Val]AHISKYDRVV

ClinVar aggregate classification (germline): Uncertain significance. Review status: criteria provided, multiple submitters, no conflicts (2 of 4 stars). 2 submissions from 2 submitters: Uncertain significance (2). Last evaluated 2024-04-12.

Conditions:
Hereditary nonpolyposis colorectal neoplasms. Identifiers: MedGen C0009405, MeSH D003123.
Hereditary cancer-predisposing syndrome. Also called: Hereditary Cancer Syndrome; Neoplastic Syndromes, Hereditary; Hereditary neoplastic syndrome; Tumor predisposition. Identifiers: Orphanet 140162, MedGen C0027672, MeSH D009386, MONDO:0015356.

Submissions (2):

Ambry Genetics
Classification: Uncertain significance for Hereditary cancer-predisposing syndrome. Last evaluated: 2024-04-12. Review status: criteria provided, single submitter. Criteria: Ambry Variant Classification Scheme 2023. Collection method: clinical testing. Allele origin: germline.
Comment: The p.M499V variant (also known as c.1495A>G), located in coding exon 4 of the MSH6 gene, results from an A to G substitution at nucleotide position 1495. The methionine at codon 499 is replaced by valine, an amino acid with highly similar properties. This amino acid position is not well conserved in available vertebrate species. In addition, the in silico prediction for this alteration is inconclusive. Based on the available evidence, the clinical significance of this variant remains unclear.

Labcorp Genetics (formerly Invitae), Labcorp
Classification: Uncertain significance for Hereditary nonpolyposis colorectal neoplasms. Last evaluated: 2024-03-14. Review status: criteria provided, single submitter. Criteria: Invitae Variant Classification Sherloc (09022015). Collection method: clinical testing. Allele origin: germline.
Comment: This sequence change replaces methionine, which is neutral and non-polar, with valine, which is neutral and non-polar, at codon 499 of the MSH6 protein (p.Met499Val). This variant is not present in population databases (gnomAD no frequency). This variant has not been reported in the literature in individuals affected with MSH6-related conditions. ClinVar contains an entry for this variant (Variation ID: 428365). Advanced modeling of protein sequence and biophysical properties (such as structural, functional, and spatial information, amino acid conservation, physicochemical variation, residue mobility, and thermodynamic stability) performed at Invitae indicates that this missense variant is not expected to disrupt MSH6 protein function with a negative predictive value of 95%. In summary, the available evidence is currently insufficient to determine the role of this variant in disease. Therefore, it has been classified as a Variant of Uncertain Significance.